The following is an entry in ClinVar:

NM_000157.4(GBA1):c.1506-12C>T

Genes: GBA1 (glucosylceramidase beta 1; minus strand), LOC106627981 (GBA recombination region; plus strand). Cytogenetic location: 1q22.
Variant type: single nucleotide variant.
Coding change: c.1506-12C>T on transcript NM_000157.4 (MANE Select); 12 bases into the intron before coding-DNA position 1506, C replaced by T.
Molecular consequence: intron variant.
Genome position (GRCh38, 1-based): chr1:155,235,112, G>A on the plus strand (C>T on the coding strand, the complement: GBA1 is on the minus strand). VCF-style: chr1-155235112-G-A. GRCh37 (hg19) VCF-style: chr1-155204903-G-A.
Other names: c.1245-12C>T (NM_001171811.2); c.1506-12C>T (NM_001005742.3, NM_001005741.3); c.1359-12C>T (NM_001171812.2).
Identifiers: ClinVar variation 1177278 (VCV001177278.6), dbSNP rs368832292, ClinGen allele CA1141496.

ClinVar aggregate classification (germline): Conflicting classifications of pathogenicity. Review status: criteria provided, conflicting classifications (1 of 4 stars). 3 submissions from 3 submitters: Uncertain significance (1); Likely benign (2). Last evaluated 2024-06-18.

Allele frequency attached by ClinVar (database versions not stated): gnomAD exomes 0.00051; gnomAD 0.00057 and 0.00060; TOPMed 0.00060; ESP Exome Variant Server 0.00085.
gnomAD v4.1: 715 of 1,339,744 alleles (0.053%); highest among the groups gnomAD compares: Non-Finnish European, 0.025%; 5 homozygotes.

Submissions (3):

Blueprint Genetics
Classification: Likely benign. Last evaluated: 2024-06-18. Review status: criteria provided, single submitter. Criteria: ACMG Guidelines, 2015. Collection method: clinical testing. Allele origin: germline.

Women's Health and Genetics/Laboratory Corporation of America, LabCorp
Classification: Uncertain significance. Last evaluated: 2021-06-28. Review status: criteria provided, single submitter. Criteria: LabCorp Variant Classification Summary - May 2015. Collection method: clinical testing. Allele origin: germline.
Comment: Variant summary: GBA c.1506-12C>T alters a non-conserved nucleotide located close to a canonical splice site and therefore could affect mRNA splicing, leading to a significantly altered protein sequence. 4/4 computational tools predict no significant impact on normal splicing. However, these predictions have yet to be confirmed by functional studies. The variant allele was found at a frequency of 0.00082 in 248526 control chromosomes in the gnomAD database, including 2 homozygotes. This frequency is not significantly higher than expected for a pathogenic variant in GBA causing Gaucher Disease (0.00082 vs 0.005), allowing no conclusion about variant significance. To our knowledge, no occurrence of c.1506-12C>T in individuals affected with Gaucher Disease and no experimental evidence demonstrating its impact on protein function have been reported. No clinical diagnostic laboratories have submitted clinical-significance assessments for this variant to ClinVar after 2014. Based on the evidence outlined above, the variant was classified as uncertain significance.

GeneDx
Classification: Likely benign. Last evaluated: 2020-01-07. Review status: criteria provided, single submitter. Criteria: GeneDx Variant Classification Process June 2021. Collection method: clinical testing. Allele origin: germline. Affected: yes.

Literature cited by the submitters: PubMed 23225227 (cited by Women's Health and Genetics/Laboratory Corporation of America, LabCorp).